The following is an entry in ClinVar:

ClinVar aggregate classification (germline): Uncertain significance (0 of 4 stars; one submission).

Conditions:
ARHGEF28-related disorder. Also called: ARHGEF28-related condition.

gnomAD v4.1: 3 of 1,612,882 alleles (0.00019%); highest among the groups gnomAD compares: Non-Finnish European, 0.00017%; no homozygotes.

Submission:

PreventionGenetics, part of Exact Sciences
Classification: Uncertain significance for ARHGEF28-related condition. Last evaluated: 2024-01-23. Review status: no assertion criteria provided. Collection method: clinical testing. Allele origin: germline.
Comment: The ARHGEF28 c.819G>C variant is predicted to result in the amino acid substitution p.Trp273Cys. To our knowledge, this variant has not been reported in the literature. This variant is reported in 0.00089% of alleles in individuals of European (Non-Finnish) descent in gnomAD. At this time, the clinical significance of this variant is uncertain due to the absence of conclusive functional and genetic evidence.

NM_001177693.2(ARHGEF28):c.819G>C (p.Trp273Cys)

Gene: ARHGEF28 (Rho guanine nucleotide exchange factor 28; plus strand). Cytogenetic location: 5q13.2.
Variant type: single nucleotide variant.
Coding change: c.819G>C on transcript NM_001177693.2 (MANE Select); coding-DNA position 819, G replaced by C.
Protein change: p.Trp273Cys; replaces tryptophan 273 with cysteine.
Molecular consequence: missense variant.
Genome position (GRCh38, 1-based): chr5:73,776,675, G>C. VCF-style: chr5-73776675-G-C. GRCh37 (hg19) VCF-style: chr5-73072500-G-C.
Other names: c.819G>C, p.Trp273Cys (NM_001080479.3, NM_001388078.1); c.525G>C, p.Trp175Cys (NM_001388076.1); short protein forms W175C, W273C.
Identifiers: ClinVar variation 3351001 (VCV003351001.1).